The following is an entry in ClinVar:

NM_002691.4(POLD1):c.1399T>C (p.Tyr467His)

Gene: POLD1 (DNA polymerase delta 1, catalytic subunit; plus strand). Cytogenetic location: 19q13.33.
Variant type: single nucleotide variant.
Coding change: c.1399T>C on transcript NM_002691.4 (MANE Select); coding-DNA position 1399, T replaced by C.
Protein change: p.Tyr467His; replaces tyrosine 467 with histidine.
Molecular consequence: missense variant. On other transcripts: non-coding transcript variant (1).
Genome position (GRCh38, 1-based): chr19:50,406,422, T>C. VCF-style: chr19-50406422-T-C. GRCh37 (hg19) VCF-style: chr19-50909679-T-C.
Other names: c.1399T>C, p.Tyr467His (NM_001256849.1, NM_001308632.1, NM_001438210.1 and 3 more transcripts); short protein forms Y467H.
Identifiers: ClinVar variation 4746090 (VCV004746090.1).

ClinVar aggregate classification (germline): Uncertain significance (1 of 4 stars; one submission).

Conditions:
POLD1-related polyposis and colorectal cancer syndrome (CRCS10). Also called: COLORECTAL CANCER, SUSCEPTIBILITY TO, ON CHROMOSOME 19q; Colorectal cancer 10; Colorectal cancer, susceptibility to, 10. Identifiers: Orphanet 220460, MedGen C2675481, MONDO:0012953, OMIM 612591.

Submission:

Labcorp Genetics (formerly Invitae), Labcorp
Classification: Uncertain significance for POLD1-related polyposis and colorectal cancer syndrome. Last evaluated: 2025-05-15. Review status: criteria provided, single submitter. Criteria: Invitae Variant Classification Sherloc (09022015). Collection method: clinical testing. Allele origin: germline.
Comment: This sequence change replaces tyrosine, which is neutral and polar, with histidine, which is basic and polar, at codon 467 of the POLD1 protein (p.Tyr467His). This variant is not present in population databases (gnomAD no frequency). This variant has not been reported in the literature in individuals affected with POLD1-related conditions. Invitae Evidence Modeling of protein sequence and biophysical properties (such as structural, functional, and spatial information, amino acid conservation, physicochemical variation, residue mobility, and thermodynamic stability) indicates that this missense variant is not expected to disrupt POLD1 protein function with a negative predictive value of 80%. In summary, the available evidence is currently insufficient to determine the role of this variant in disease. Therefore, it has been classified as a Variant of Uncertain Significance.